The following is an entry in ClinVar:

ClinVar aggregate classification (germline): Uncertain significance (1 of 4 stars; one submission).

Allele frequency attached by ClinVar (database versions not stated): gnomAD exomes below 0.00001.
gnomAD v4.1: 2 of 1,614,084 alleles (0.00012%); highest among the groups gnomAD compares: Middle Eastern, 0.016%; no homozygotes.

Submission:

Labcorp Genetics (formerly Invitae), Labcorp
Classification: Uncertain significance. Last evaluated: 2023-05-25. Review status: criteria provided, single submitter. Criteria: Invitae Variant Classification Sherloc (09022015). Collection method: clinical testing. Allele origin: germline.
Comment: In summary, the available evidence is currently insufficient to determine the role of this variant in disease. Therefore, it has been classified as a Variant of Uncertain Significance. An algorithm developed to predict the effect of missense changes on protein structure and function (PolyPhen-2) suggests that this variant is likely to be disruptive. This variant has not been reported in the literature in individuals affected with MESP1-related conditions. This variant is not present in population databases (gnomAD no frequency). This sequence change replaces leucine, which is neutral and non-polar, with proline, which is neutral and non-polar, at codon 248 of the MESP1 protein (p.Leu248Pro).

NM_018670.4(MESP1):c.743T>C (p.Leu248Pro)

Gene: MESP1 (mesoderm posterior bHLH transcription factor 1; minus strand). Cytogenetic location: 15q26.1.
Variant type: single nucleotide variant.
Coding change: c.743T>C on transcript NM_018670.4 (MANE Select); coding-DNA position 743, T replaced by C.
Protein change: p.Leu248Pro; replaces leucine 248 with proline.
Molecular consequence: missense variant.
Genome position (GRCh38, 1-based): chr15:89,750,208, A>G on the plus strand (T>C on the coding strand, the complement: MESP1 is on the minus strand). VCF-style: chr15-89750208-A-G. GRCh37 (hg19) VCF-style: chr15-90293439-A-G.
Other names: short protein forms L248P.
Identifiers: ClinVar variation 2912083 (VCV002912083.3), dbSNP rs1567140926, ClinGen allele CA393784714.